The following is an entry in ClinVar:

NM_004655.4(AXIN2):c.1130G>A (p.Arg377Lys)

Gene: AXIN2 (axin 2; minus strand). Cytogenetic location: 17q24.1.
Variant type: single nucleotide variant.
Coding change: c.1130G>A on transcript NM_004655.4 (MANE Select); coding-DNA position 1130, G replaced by A.
Protein change: p.Arg377Lys; replaces arginine 377 with lysine.
Molecular consequence: missense variant.
Genome position (GRCh38, 1-based): chr17:65,538,273, C>T on the plus strand (G>A on the coding strand, the complement: AXIN2 is on the minus strand). VCF-style: chr17-65538273-C-T. GRCh37 (hg19) VCF-style: chr17-63534391-C-T.
Other names: c.1130G>A, p.Arg377Lys (NM_001363813.1); c.1130G>A (LRG_296t1); short protein forms R377K.
Identifiers: ClinVar variation 464519 (VCV000464519.15), dbSNP rs1555578512, ClinGen allele CA400678369.

ClinVar aggregate classification (germline): Uncertain significance. Review status: criteria provided, multiple submitters, no conflicts (2 of 4 stars). 2 submissions from 2 submitters: Uncertain significance (2). Last evaluated 2025-07-30.

Conditions:
Hereditary cancer-predisposing syndrome. Also called: Neoplastic Syndromes, Hereditary; Tumor predisposition; Hereditary Cancer Syndrome; Hereditary neoplastic syndrome. Identifiers: Orphanet 140162, MedGen C0027672, MeSH D009386, MONDO:0015356.
Oligodontia-cancer predisposition syndrome. Also called: TOOTH AGENESIS-COLORECTAL CANCER SYNDROME. Identifiers: Orphanet 300576, MedGen C1837750, MONDO:0012075, OMIM 608615. Disease mechanism: loss of function.

Allele frequency attached by ClinVar (database versions not stated): gnomAD exomes below 0.00001.
gnomAD v4.1: 4 of 1,614,210 alleles (0.00025%); highest among the groups gnomAD compares: Non-Finnish European, 0.00034%; no homozygotes.

Submissions (2):

Labcorp Genetics (formerly Invitae), Labcorp
Classification: Uncertain significance for Oligodontia-cancer predisposition syndrome. Last evaluated: 2025-07-30. Review status: criteria provided, single submitter. Criteria: Invitae Variant Classification Sherloc (09022015). Collection method: clinical testing. Allele origin: germline.
Comment: This sequence change replaces arginine, which is basic and polar, with lysine, which is basic and polar, at codon 377 of the AXIN2 protein (p.Arg377Lys). This variant is not present in population databases (gnomAD no frequency). This variant has not been reported in the literature in individuals affected with AXIN2-related conditions. ClinVar contains an entry for this variant (Variation ID: 464519). Invitae Evidence Modeling of protein sequence and biophysical properties (such as structural, functional, and spatial information, amino acid conservation, physicochemical variation, residue mobility, and thermodynamic stability) indicates that this missense variant is not expected to disrupt AXIN2 protein function with a negative predictive value of 80%. In summary, the available evidence is currently insufficient to determine the role of this variant in disease. Therefore, it has been classified as a Variant of Uncertain Significance.

Ambry Genetics
Classification: Uncertain significance for Hereditary cancer-predisposing syndrome. Last evaluated: 2024-07-27. Review status: criteria provided, single submitter. Criteria: Ambry Variant Classification Scheme 2023. Collection method: clinical testing. Allele origin: germline.
Comment: The p.R377K variant (also known as c.1130G>A), located in coding exon 4 of the AXIN2 gene, results from a G to A substitution at nucleotide position 1130. The arginine at codon 377 is replaced by lysine, an amino acid with highly similar properties. This amino acid position is highly conserved in available vertebrate species. In addition, the in silico prediction for this alteration is inconclusive. Since supporting evidence is limited at this time, the clinical significance of this alteration remains unclear.